The following is an entry in ClinVar:

ClinVar aggregate classification (germline): Uncertain significance (1 of 4 stars; one submission).

Allele frequency attached by ClinVar (database versions not stated): gnomAD exomes below 0.00001; gnomAD 0.00001.
gnomAD v4.1: 2 of 1,614,030 alleles (0.00012%); highest among the groups gnomAD compares: Admixed American, 0.0017%; no homozygotes.

Submission:

Labcorp Genetics (formerly Invitae), Labcorp
Classification: Uncertain significance. Last evaluated: 2022-09-27. Review status: criteria provided, single submitter. Criteria: Invitae Variant Classification Sherloc (09022015). Collection method: clinical testing. Allele origin: germline.
Comment: In summary, the available evidence is currently insufficient to determine the role of this variant in disease. Therefore, it has been classified as a Variant of Uncertain Significance. Algorithms developed to predict the effect of missense changes on protein structure and function are either unavailable or do not agree on the potential impact of this missense change (SIFT: "Tolerated"; PolyPhen-2: "Possibly Damaging"; Align-GVGD: "Class C0"). This variant has not been reported in the literature in individuals affected with BLVRA-related conditions. This variant is not present in population databases (gnomAD no frequency). This sequence change replaces valine, which is neutral and non-polar, with alanine, which is neutral and non-polar, at codon 22 of the BLVRA protein (p.Val22Ala).

NM_000712.4(BLVRA):c.65T>C (p.Val22Ala)

Gene: BLVRA (biliverdin reductase A; plus strand). Cytogenetic location: 7p13.
Variant type: single nucleotide variant.
Coding change: c.65T>C on transcript NM_000712.4 (MANE Select); coding-DNA position 65, T replaced by C.
Protein change: p.Val22Ala; replaces valine 22 with alanine.
Molecular consequence: missense variant.
Genome position (GRCh38, 1-based): chr7:43,787,956, T>C. VCF-style: chr7-43787956-T-C. GRCh37 (hg19) VCF-style: chr7-43827555-T-C.
Other names: c.65T>C, p.Val22Ala (NM_001253823.2); short protein forms V22A.
Identifiers: ClinVar variation 2032797 (VCV002032797.4), dbSNP rs2095779990, ClinGen allele CA367335626.